The following is an entry in ClinVar:

NM_007294.4(BRCA1):c.4973C>G (p.Thr1658Ser)

Gene: BRCA1 (BRCA1 DNA repair associated; minus strand). Cytogenetic location: 17q21.31.
Variant type: single nucleotide variant.
Coding change: c.4973C>G on transcript NM_007294.4 (MANE Select); coding-DNA position 4973, C replaced by G.
Protein change: p.Thr1658Ser; replaces threonine 1658 with serine.
Molecular consequence: missense variant. On other transcripts: intron variant (1).
Genome position (GRCh38, 1-based): chr17:43,070,941, G>C on the plus strand (C>G on the coding strand, the complement: BRCA1 is on the minus strand). VCF-style: chr17-43070941-G-C. GRCh37 (hg19) VCF-style: chr17-41222958-G-C.
Other names: c.4832C>G, p.Thr1611Ser (NM_001407696.1, NM_001407697.1, NM_001407698.1 and 13 more transcripts); c.4829C>G, p.Thr1610Ser (NM_001407732.1, NM_001407733.1, NM_001407734.1 and 21 more transcripts); c.4826C>G, p.Thr1609Ser (NM_001407838.1, NM_001407839.1, NM_001407841.1 and 12 more transcripts); c.4760C>G, p.Thr1587Ser (NM_001407571.1, NM_001407894.1, NM_001407895.1 and 12 more transcripts); c.5039C>G, p.Thr1680Ser (NM_001407581.1, NM_001407582.1); c.5036C>G, p.Thr1679Ser (NM_001407583.1, NM_001407585.1, NM_001407587.1 and 1 more transcripts); c.5033C>G, p.Thr1678Ser (NM_001407590.1, NM_001407591.1); c.4973C>G, p.Thr1658Ser (NM_001407593.1, NM_001407594.1, NM_001407596.1 and 8 more transcripts); and 71 more; short protein forms T1362S, T1504S, T1570S, T1610S, T1614S, T1638S, T1639S, T1655S.
Identifiers: ClinVar variation 2865766 (VCV002865766.3), dbSNP rs1015073230, ClinGen allele CA10591580.

ClinVar aggregate classification (germline): Uncertain significance (1 of 4 stars; one submission).

Conditions:
Hereditary breast ovarian cancer syndrome. Also called: Hereditary breast and ovarian cancer syndrome; Hereditary breast and/or ovarian cancer syndrome; BRCA1- and BRCA2-Associated Hereditary Breast and Ovarian Cancer; Hereditary breast and ovarian cancer syndrome (HBOC); Hereditary breast and ovarian cancer; Breast and ovarian cancer. Identifiers: Orphanet 145, MedGen C0677776, MeSH D061325, MONDO:0003582. Disease mechanism: loss of function.

Submission:

Labcorp Genetics (formerly Invitae), Labcorp
Classification: Uncertain significance for Hereditary breast ovarian cancer syndrome. Last evaluated: 2023-05-19. Review status: criteria provided, single submitter. Criteria: Invitae Variant Classification Sherloc (09022015). Collection method: clinical testing. Allele origin: germline.
Comment: This variant has not been reported in the literature in individuals affected with BRCA1-related conditions. This variant is not present in population databases (gnomAD no frequency). This sequence change replaces threonine, which is neutral and polar, with serine, which is neutral and polar, at codon 1658 of the BRCA1 protein (p.Thr1658Ser). Advanced modeling performed at Invitae incorporating data from internal and/or published experimental studies (PMID: 30209399) indicates that this missense variant is not expected to disrupt BRCA1 function. In summary, the available evidence is currently insufficient to determine the role of this variant in disease. Therefore, it has been classified as a Variant of Uncertain Significance.

Literature cited by the submitters: PubMed 30209399.